The following is an entry in ClinVar:

NM_001395463.1(PLA2G2A):c.55C>T (p.His19Tyr)

Gene: PLA2G2A (phospholipase A2 group IIA; minus strand). Cytogenetic location: 1p36.13.
Variant type: single nucleotide variant.
Coding change: c.55C>T on transcript NM_001395463.1 (MANE Select); coding-DNA position 55, C replaced by T.
Protein change: p.His19Tyr; replaces histidine 19 with tyrosine.
Molecular consequence: missense variant.
Genome position (GRCh38, 1-based): chr1:19,978,510, G>A on the plus strand (C>T on the coding strand, the complement: PLA2G2A is on the minus strand). VCF-style: chr1-19978510-G-A. GRCh37 (hg19) VCF-style: chr1-20305003-G-A.
Other names: c.55C>T, p.His19Tyr (NM_000300.4, NM_001161727.2, NM_001161728.2 and 1 more transcripts); short protein forms H19Y.
Identifiers: ClinVar variation 712953 (VCV000712953.7), dbSNP rs11573162, ClinGen allele CA658059.
Genomic context (GRCh38, chr1:19,978,510, plus strand): 5'-GTGCGGCTTCCTTTCCTGTCGTCAACTTGATCATTCTGTGGAAATTCACCAAATTCCCAT[G>A]GGCCTGCAGTAGGCCTGGAAGGAAATTTGGGAGTTGTCTGGTGATGGGGCATGGGGTTCT-3'
Protein context (NP_001382392.1, residues 9-29): VIMIFGLLQA[His19Tyr]GNLVNFHRMI

ClinVar aggregate classification (germline): Benign. Review status: criteria provided, multiple submitters, no conflicts (2 of 4 stars). 3 submissions from 3 submitters: Benign (2). 1 of the submissions does not count toward it. Last evaluated 2018-06-28.

Conditions:
PLA2G2A-related disorder. Also called: PLA2G2A-related condition.

Allele frequency attached by ClinVar (database versions not stated): ESP Exome Variant Server 0.00062; TOPMed 0.00372; gnomAD 0.00625 and 0.00649; 1000 Genomes Project 30x 0.00906; ExAC 0.00938; 1000 Genomes Project 0.01038; gnomAD exomes 0.01058.
gnomAD v4.1: 7,326 of 1,613,646 alleles (0.45%); highest among the groups gnomAD compares: East Asian, 3.5%; 127 homozygotes.

Submissions (3):

Labcorp Genetics (formerly Invitae), Labcorp
Classification: Benign. Last evaluated: 2018-06-28. Review status: criteria provided, single submitter. Criteria: Invitae Variant Classification Sherloc (09022015). Collection method: clinical testing. Allele origin: germline.

Breakthrough Genomics
Classification: Benign. Review status: criteria provided, single submitter. Criteria: ACMG Guidelines, 2015. Collection method: not provided. Allele origin: germline. Inheritance: Autosomal dominant inheritance. Affected: yes.

PreventionGenetics, part of Exact Sciences
Classification: Benign for PLA2G2A-related condition. Last evaluated: 2019-02-26. Review status: no assertion criteria provided. Collection method: clinical testing. Allele origin: germline. Not counted in ClinVar's aggregate classification.
Comment: This variant is classified as benign based on ACMG/AMP sequence variant interpretation guidelines (Richards et al. 2015 PMID: 25741868, with internal and published modifications).